The following is an entry in ClinVar:

ClinVar aggregate classification (germline): Uncertain significance (1 of 4 stars; one submission).

gnomAD v4.1: 35 of 1,613,486 alleles (0.0022%); highest among the groups gnomAD compares: East Asian, 0.018%; no homozygotes.

Submission:

Labcorp Genetics (formerly Invitae), Labcorp
Classification: Uncertain significance. Last evaluated: 2025-08-04. Review status: criteria provided, single submitter. Criteria: Invitae Variant Classification Sherloc (09022015). Collection method: clinical testing. Allele origin: germline.
Comment: This sequence change replaces threonine, which is neutral and polar, with methionine, which is neutral and non-polar, at codon 452 of the LIPC protein (p.Thr452Met). This variant is present in population databases (rs757690436, gnomAD 0.01%). This missense change has been observed in individual(s) with dyslipidemia (PMID: 36325899). Invitae Evidence Modeling of protein sequence and biophysical properties (such as structural, functional, and spatial information, amino acid conservation, physicochemical variation, residue mobility, and thermodynamic stability) indicates that this missense variant is not expected to disrupt LIPC protein function with a negative predictive value of 80%. In summary, the available evidence is currently insufficient to determine the role of this variant in disease. Therefore, it has been classified as a Variant of Uncertain Significance.

Literature cited by the submitters: PubMed 36325899.

NM_000236.3(LIPC):c.1355C>T (p.Thr452Met)

Gene: LIPC (lipase C, hepatic type; plus strand). Cytogenetic location: 15q21.3.
Variant type: single nucleotide variant.
Coding change: c.1355C>T on transcript NM_000236.3 (MANE Select); coding-DNA position 1355, C replaced by T.
Protein change: p.Thr452Met; replaces threonine 452 with methionine.
Molecular consequence: missense variant.
Genome position (GRCh38, 1-based): chr15:58,563,690, C>T. VCF-style: chr15-58563690-C-T. GRCh37 (hg19) VCF-style: chr15-58855889-C-T.
Other names: short protein forms T452M.
Identifiers: ClinVar variation 4797266 (VCV004797266.1).